The following is an entry in ClinVar:

NC_000013.11:g.32336526A>G

Gene: BRCA2 (BRCA2 DNA repair associated; plus strand). Cytogenetic location: 13q13.1.
Variant type: single nucleotide variant.
Genome position: GRCh38 VCF-style: chr13-32336526-A-G. GRCh37 (hg19) VCF-style: chr13-32910663-A-G.
Other names: K724R; 2399A>G; c.2171A>G, p.Lys724Arg (LRG_293t1); c.2171A>G (NM_000059.4).
Identifiers: ClinVar variation 156165 (VCV000156165.4), dbSNP rs587776461, ClinGen allele CA014500.

ClinVar aggregate classification (germline): Uncertain significance. Review status: criteria provided, multiple submitters, no conflicts (2 of 4 stars). 3 submissions from 3 submitters: Uncertain significance (2). 1 of the submissions does not count toward it. Last evaluated 2025-11-10.

Conditions:
Hereditary cancer-predisposing syndrome. Also called: Tumor predisposition; Neoplastic Syndromes, Hereditary; Hereditary neoplastic syndrome; Hereditary Cancer Syndrome. Identifiers: Orphanet 140162, MedGen C0027672, MeSH D009386, MONDO:0015356.
Hereditary breast ovarian cancer syndrome. Also called: Hereditary breast and ovarian cancer; Hereditary breast and ovarian cancer syndrome (HBOC); Hereditary breast and ovarian cancer syndrome; BRCA1- and BRCA2-Associated Hereditary Breast and Ovarian Cancer; Breast and ovarian cancer; Hereditary breast and/or ovarian cancer syndrome. Identifiers: Orphanet 145, MedGen C0677776, MeSH D061325, MONDO:0003582. Disease mechanism: loss of function.
Breast-ovarian cancer, familial, susceptibility to, 2 (BROVCA2). Also called: BRCA2 Hereditary Breast and Ovarian Cancer. Identifiers: Orphanet 145, MedGen C2675520, MONDO:0012933, OMIM 612555. Disease mechanism: loss of function.

Allele frequency attached by ClinVar (database versions not stated): gnomAD exomes below 0.00001.
gnomAD v4.1: 2 of 1,614,118 alleles (0.00012%); highest among the groups gnomAD compares: Non-Finnish European, 0.00017%; no homozygotes.

Submissions (3):

Labcorp Genetics (formerly Invitae), Labcorp
Classification: Uncertain significance for Hereditary breast ovarian cancer syndrome. Last evaluated: 2025-11-10. Review status: criteria provided, single submitter. Criteria: Invitae Variant Classification Sherloc (09022015). Collection method: clinical testing. Allele origin: germline.
Comment: This sequence change replaces lysine, which is basic and polar, with arginine, which is basic and polar, at codon 724 of the BRCA2 protein (p.Lys724Arg). This variant is not present in population databases (gnomAD no frequency). This variant has not been reported in the literature in individuals affected with BRCA2-related conditions. ClinVar contains an entry for this variant (Variation ID: 156165). Invitae Evidence Modeling of protein sequence and biophysical properties (such as structural, functional, and spatial information, amino acid conservation, physicochemical variation, residue mobility, and thermodynamic stability) indicates that this missense variant is not expected to disrupt BRCA2 protein function with a negative predictive value of 95%. In summary, the available evidence is currently insufficient to determine the role of this variant in disease. Therefore, it has been classified as a Variant of Uncertain Significance.

Color Diagnostics, LLC DBA Color Health
Classification: Uncertain significance for Hereditary cancer-predisposing syndrome. Last evaluated: 2024-02-05. Review status: criteria provided, single submitter. Criteria: ACMG Guidelines, 2015. Collection method: clinical testing. Allele origin: germline.
Comment: This missense variant replaces lysine with arginine at codon 724 of the BRCA2 protein. Computational prediction suggests that this variant may not impact protein structure and function (internally defined REVEL score threshold <= 0.5, PMID: 27666373). To our knowledge, functional studies have not been reported for this variant. In a large breast cancer case-control meta analysis conducted by the BRIDGES consortium, this variant was reported in 1/60466 cases and 1/53461 unaffected controls (PMID: 33471991; Leiden Open Variation Database DB-ID BRCA2_007927). This variant has not been identified in the general population by the Genome Aggregation Database (gnomAD). The available evidence is insufficient to determine the role of this variant in disease conclusively. Therefore, this variant is classified as a Variant of Uncertain Significance.

Sharing Clinical Reports Project (SCRP)
Classification: Uncertain significance for Breast-ovarian cancer, familial 2. Last evaluated: 2011-03-22. Review status: no assertion criteria provided. Collection method: clinical testing. Allele origin: germline. Not counted in ClinVar's aggregate classification.

Literature cited by the submitters: PubMed 33471991 (cited by Color Diagnostics, LLC DBA Color Health).